The following is an entry in ClinVar:

ClinVar aggregate classification (germline): Likely pathogenic (1 of 4 stars; one submission).

Submission:

Labcorp Genetics (formerly Invitae), Labcorp
Classification: Likely pathogenic. Last evaluated: 2024-09-14. Review status: criteria provided, single submitter. Criteria: Invitae Variant Classification Sherloc (09022015). Collection method: clinical testing. Allele origin: germline.
Comment: This sequence change affects an acceptor splice site in intron 20 of the PCDH15 gene. It is expected to disrupt RNA splicing. Variants that disrupt the donor or acceptor splice site typically lead to a loss of protein function (PMID: 16199547), and loss-of-function variants in PCDH15 are known to be pathogenic (PMID: 11398101, 11487575, 14570705). This variant is not present in population databases (gnomAD no frequency). This variant has not been reported in the literature in individuals affected with PCDH15-related conditions. Algorithms developed to predict the effect of sequence changes on RNA splicing suggest that this variant may disrupt the consensus splice site. In summary, the currently available evidence indicates that the variant is pathogenic, but additional data are needed to prove that conclusively. Therefore, this variant has been classified as Likely Pathogenic.

Literature cited by the submitters: PubMed 16199547; PubMed 11398101; PubMed 11487575; PubMed 14570705.

NM_001384140.1(PCDH15):c.2752-1G>A

Gene: PCDH15 (protocadherin related 15; minus strand). Cytogenetic location: 10q21.1.
Variant type: single nucleotide variant.
Coding change: c.2752-1G>A on transcript NM_001384140.1 (MANE Select); the canonical splice acceptor site of the intron before coding-DNA position 2752, G replaced by A.
Molecular consequence: splice acceptor variant.
Genome position (GRCh38, 1-based): chr10:53,995,766, C>T on the plus strand (G>A on the coding strand, the complement: PCDH15 is on the minus strand). VCF-style: chr10-53995766-C-T. GRCh37 (hg19) VCF-style: chr10-55755526-C-T.
Other names: c.2752-1G>A (NM_001354420.2, NM_001354429.2, NM_001142772.2 and 5 more transcripts); c.2767-1G>A (NM_001142771.2, NM_001142763.2); c.2773-1G>A (NM_001354411.2); c.2788-1G>A (NM_001142769.3); c.2686-1G>A (NM_001354404.2, NM_001142773.2, NM_001142768.2); c.2641-1G>A (NM_001142767.2); c.2539-1G>A (NM_001142765.2).
Identifiers: ClinVar variation 3717057 (VCV003717057.2).
Genomic context (GRCh38, chr10:53,995,766, plus strand): 5'-CGGAGCCACCATCCCTTTGTATATTCGTTTACTAAAGACAGGAGGATAATCATTCATATC[C>T]TGTAAAACACAATTAGGAGTTTAGTACTTCAGTTGAAACCAGGTTAGGGATACAGTTACT-3'